The following is an entry in ClinVar:

NM_006231.4(POLE):c.205-10T>G

Gene: POLE (DNA polymerase epsilon, catalytic subunit; minus strand). Cytogenetic location: 12q24.33.
Variant type: single nucleotide variant.
Coding change: c.205-10T>G on transcript NM_006231.4 (MANE Select); 10 bases into the intron before coding-DNA position 205, T replaced by G.
Molecular consequence: intron variant.
Genome position (GRCh38, 1-based): chr12:132,680,697, A>C on the plus strand (T>G on the coding strand, the complement: POLE is on the minus strand). VCF-style: chr12-132680697-A-C. GRCh37 (hg19) VCF-style: chr12-133257283-A-C.
Identifiers: ClinVar variation 4705751 (VCV004705751.1).
Genomic context (GRCh38, chr12:132,680,697, plus strand): 5'-GTAGTAATCCACTGCACTGCCTAAGCGCTTATCTTCATCTAAAATCTCGGTCTACAAGAG[A>C]ATCAGTCAACACAGACACAAGACCATCCTCTACACAGTTAGAGAAACTTTCCTCCTACCT-3'

ClinVar aggregate classification (germline): Uncertain significance (1 of 4 stars; one submission).

gnomAD v4.1: 1 of 1,607,530 alleles (0.000062%); highest among the groups gnomAD compares: Non-Finnish European, 0.000085%; no homozygotes.

Submission:

Labcorp Genetics (formerly Invitae), Labcorp
Classification: Uncertain significance. Last evaluated: 2025-11-17. Review status: criteria provided, single submitter. Criteria: Invitae Variant Classification Sherloc (09022015). Collection method: clinical testing. Allele origin: germline.
Comment: This sequence change falls in intron 2 of the POLE gene. It does not directly change the encoded amino acid sequence of the POLE protein. This variant is present in population databases (rs760786846, gnomAD 0.0009%). This variant has not been reported in the literature in individuals affected with POLE-related conditions. Algorithms developed to predict the effect of sequence changes on RNA splicing suggest that this variant may disrupt the consensus splice site. In summary, the available evidence is currently insufficient to determine the role of this variant in disease. Therefore, it has been classified as a Variant of Uncertain Significance.